The following is an entry in ClinVar:

NM_001034853.2(RPGR):c.2901_2903del (p.Glu969del)

Gene: RPGR (retinitis pigmentosa GTPase regulator; minus strand). Cytogenetic location: Xp11.4.
Variant type: Deletion.
Coding change: c.2901_2903del on transcript NM_001034853.2 (MANE Select); coding-DNA positions 2901 to 2903, 3 bases deleted (AGA; older notation c.2901_2903delAGA).
Protein change: p.Glu969del; deletes glutamic acid 969.
Molecular consequence: inframe deletion. On other transcripts: intron variant (8).
Genome position (GRCh38, 1-based): chrX:38,286,096-38,286,098, TCT deleted on the plus strand (AGA on the coding strand, the reverse complement: RPGR is on the minus strand); deleting any 3 consecutive bases within chrX:38,286,096-38,286,100 gives the same sequence; the c. name uses the placement nearest the transcript's 3' end. VCF-style (leftmost placement, unchanged base first): chrX-38286095-CTCT-C. GRCh37 (hg19) VCF-style: chrX-38145348-CTCT-C.
Other names: NM_001034853.2(RPGR):c.2901_2903del; p.Glu969del; c.1569+4861_1569+4863del (NM_001367249.1, NM_001367250.1); c.1902+996_1902+998del (NM_001367245.1); c.1386+4861_1386+4863del (NM_001367251.1); c.1719+996_1719+998del (NM_001367246.1); c.1572+4861_1572+4863del (NM_001367247.1); c.1905+996_1905+998del (NM_000328.3); and 3 more; short protein forms E969del.
Identifiers: ClinVar variation 1199928 (VCV001199928.6), dbSNP rs753744103, ClinGen allele CA10385235.

ClinVar aggregate classification (germline): Likely benign. Review status: reviewed by expert panel (3 of 4 stars). 4 submissions from 4 submitters: Likely benign (1). 3 of the submissions do not count toward it. Last evaluated 2025-05-20.

Conditions:
RPGR-related retinopathy. Also called: RPGR retinopathy. Identifiers: MedGen CN305589, MONDO:0100437.

Submissions (4):

ClinGen X-linked Inherited Retinal Disease Variant Curation Expert Panel, ClinGen
Classification: Likely benign for RPGR-related retinopathy. Last evaluated: 2025-05-20. Review status: reviewed by expert panel. Criteria: ClinGen X LinkedIRD ACMG Specifications RPGR V1.0.0. Collection method: curation. Allele origin: germline. Inheritance: X-linked inheritance.
Comment: NM_001034853.2(RPGR):c.2901_2903del (p.Glu968del) is an in-frame deletion variant. This variant is a short in-frame deletion of 3 base pairs that encodes amino acid 968, and is located within a low-complexity region (PMID: 27162334) that extends approximately from amino acids 787–1043 in RPGR (BP3). This variant is present in gnomAD v4.1.0 at a frequency of 0.000009574 among hemizygous individuals, with 1 variant allele / 104,450 total alleles, which is higher than the ClinGen X-linked IRD VCEP BS1 threshold of >0.000005. However, the VCEP recommended not to apply the BS1 code based on the gnomAD quality control data indicating low coverage and sequencing quality at this site. In summary, this variant is classified as likely benign for RPGR-related retinopathy based on the ClinGen X-linked Inherited Retinal Disease Expert Panel Specifications to the ACMG/AMP Variant Interpretation Guidelines for RPGR Version 1.0.0; BP3. (date of approval 05/16/2025).

Blueprint Genetics
Classification: Likely benign. Last evaluated: 2024-11-27. Review status: criteria provided, single submitter. Criteria: ACMG Guidelines, 2015. Collection method: clinical testing. Allele origin: germline. Not counted in ClinVar's aggregate classification.

PreventionGenetics, part of Exact Sciences
Classification: Likely benign. Last evaluated: 2021-12-08. Review status: criteria provided, single submitter. Criteria: ACMG Guidelines, 2015. Collection method: clinical testing. Allele origin: germline. Not counted in ClinVar's aggregate classification.

GeneDx
Classification: Likely benign. Last evaluated: 2019-10-05. Review status: criteria provided, single submitter. Criteria: GeneDx Variant Classification Process June 2021. Collection method: clinical testing. Allele origin: germline. Affected: yes. Not counted in ClinVar's aggregate classification.